The following continues an entry in ClinVar:

NM_000256.3(MYBPC3):c.3815-1G>A

Gene: MYBPC3. ClinVar aggregate classification (germline): Pathogenic/Likely pathogenic. Pathogenic (1); Likely pathogenic (10).

Submissions 9 to 12 of 12:

Ambry Genetics
Classification: Likely pathogenic for Cardiovascular phenotype. Last evaluated: 2021-12-01. Review status: criteria provided, single submitter. Criteria: Ambry General Variant Classification Scheme_2022. Collection method: clinical testing. Allele origin: germline. Observed: 1 variant allele.
Comment: The c.3815-1G>A intronic variant results from a G to A substitution one nucleotide upstream from coding exon 34 of the MYBPC3 gene. Alterations that disrupt the canonical splice site are expected to cause aberrant splicing, resulting in an abnormal protein or a transcript that is subject to nonsense-mediated mRNA decay. This alteration occurs at the 3' terminus of the MYBPC3 gene, is not expected to trigger nonsense-mediated mRNAdecay, and results in a frameshift that is predicted to impact only the last 3 amino acids of the native protein, although it is also expected to elongate the translated protein. The exact functional effect of this alteration is unknown. This variant has been identified in patients with hypertrophic cardiomyopathy (HCM) (Alfares AA et al. Genet Med, 2015 Nov;17:880-8; Walsh R et al. Genet Med, 2017 02;19:192-203; Ambry internal data). This nucleotide position is highly conserved in available vertebrate species. In silico splice site analysis predicts that this alteration will weaken the native splice acceptor site. Based on the majority of available evidence to date, this variant is likely to be pathogenic.

Molecular Diagnostic Laboratory for Inherited Cardiovascular Disease, Montreal Heart Institute
Classification: Likely pathogenic for Primary familial hypertrophic cardiomyopathy. Last evaluated: 2016-12-23. Review status: criteria provided, single submitter. Criteria: ACMG Guidelines, 2015. Collection method: clinical testing. Allele origin: germline. Affected: yes.

Laboratory for Molecular Medicine, Mass General Brigham Personalized Medicine
Classification: Likely pathogenic for Hypertrophic cardiomyopathy. Last evaluated: 2011-09-30. Review status: criteria provided, single submitter. Criteria: LMM Criteria. Collection method: clinical testing. Allele origin: germline. Inheritance: Autosomal dominant inheritance. Observed: 1 variant allele.
Comment: The 3815-1G>A variant has not been previously reported or been identified by our laboratory. This variant is predicted to cause abnormal splicing because the nu cleotide substitution occurs in the highly conserved splice consensus sequence. Pathogenic splice variants in MYBPC3 are common in patients with HCM, which sup ports a disease causing role.

Gharavi Laboratory, Columbia University
Classification: Pathogenic. Last evaluated: 2018-09-16. Review status: no assertion criteria provided. Criteria: ACMG Guidelines, 2015. Collection method: research. Allele origin: germline. Affected: yes. Not counted in ClinVar's aggregate classification.

Literature cited by the submitters: PubMed 25611685 (cited by 6 submitters); PubMed 27532257 (cited by 6 submitters); PubMed 33673806 (cited by 5 submitters); PubMed 37652022 (cited by Labcorp Genetics (formerly Invitae), Labcorp and Women's Health and Genetics/Laboratory Corporation of America, LabCorp); PubMed 17576681 (cited by Labcorp Genetics (formerly Invitae), Labcorp); PubMed 9536098 (cited by Labcorp Genetics (formerly Invitae), Labcorp); PubMed 33495596 (cited by 3 submitters); PubMed 33495597 (cited by 3 submitters); PubMed 33663232 (cited by 3 submitters).